The following is an entry in ClinVar:

ClinVar aggregate classification (germline): Pathogenic (1 of 4 stars; one submission).

Submission:

GeneDx
Classification: Pathogenic. Last evaluated: 2025-04-10. Review status: criteria provided, single submitter. Criteria: GeneDx Variant Classification Process June 2021. Collection method: clinical testing. Allele origin: germline. Affected: yes.
Comment: Nonsense variant predicted to result in protein truncation, as the last 2956 amino acids are lost, and other loss-of-function variants have been reported downstream in HGMD; Not observed at significant frequency in large population cohorts (gnomAD); Has not been previously published as pathogenic or benign to our knowledge; This variant is associated with the following publications: (PMID: 16444271)

NM_002016.2(FLG):c.3317G>A (p.Trp1106Ter)

Genes: CCDST (cervical cancer associated DHX9 suppressive transcript; plus strand), FLG (filaggrin; minus strand). Cytogenetic location: 1q21.3.
Variant type: single nucleotide variant.
Coding change: c.3317G>A on transcript NM_002016.2 (MANE Select); coding-DNA position 3317, G replaced by A.
Protein change: p.Trp1106Ter; replaces tryptophan 1106 with a stop codon.
Molecular consequence: nonsense.
Genome position (GRCh38, 1-based): chr1:152,311,569, C>T on the plus strand (G>A on the coding strand, the complement: FLG is on the minus strand). VCF-style: chr1-152311569-C-T. GRCh37 (hg19) VCF-style: chr1-152284045-C-T.
Other names: short protein forms W1106*.
Identifiers: ClinVar variation 620246 (VCV000620246.2), dbSNP rs150137199, ClinGen allele CA342084260.